The following is an entry in ClinVar:

ClinVar aggregate classification (germline): Uncertain significance (1 of 4 stars; one submission).

Submission:

GeneDx
Classification: Uncertain significance. Last evaluated: 2021-01-06. Review status: criteria provided, single submitter. Criteria: GeneDx Variant Classification Process June 2021. Collection method: clinical testing. Allele origin: germline. Affected: yes.
Comment: Not observed in large population cohorts (Lek et al., 2016); Nonsense variant predicted to result in protein truncation or nonsense-mediated decay in a gene for which loss-of-function is not a known mechanism of disease; Has not been previously published as pathogenic or benign to our knowledge

NM_004958.4(MTOR):c.4879C>T (p.Gln1627Ter)

Gene: MTOR (mechanistic target of rapamycin kinase; minus strand). Cytogenetic location: 1p36.22.
Variant type: single nucleotide variant.
Coding change: c.4879C>T on transcript NM_004958.4 (MANE Select); coding-DNA position 4879, C replaced by T.
Protein change: p.Gln1627Ter; replaces glutamine 1627 with a stop codon.
Molecular consequence: nonsense.
Genome position (GRCh38, 1-based): chr1:11,139,652, G>A on the plus strand (C>T on the coding strand, the complement: MTOR is on the minus strand). VCF-style: chr1-11139652-G-A. GRCh37 (hg19) VCF-style: chr1-11199709-G-A.
Other names: c.4879C>T, p.Gln1627Ter (NM_001386500.1); c.3631C>T, p.Gln1211Ter (NM_001386501.1); short protein forms Q1211*, Q1627*.
Identifiers: ClinVar variation 1313897 (VCV001313897.2), dbSNP rs2100479402, ClinGen allele CA338402509.
Genomic context (GRCh38, chr1:11,139,652, plus strand): 5'-GAGGGCTGACCACAAGGGACCGCACCATAAGGATTTTCTGCCAGTCCTCTACGATACGCT[G>A]GCAGCCCTGGAACATTCAGAAGTGAAGATTAGATATGTCTTCTGATACATTGTTTTTGTG-3'